The following is an entry in ClinVar:

NM_020987.5(ANK3):c.6524G>A (p.Ser2175Asn)

Gene: ANK3 (ankyrin 3; minus strand). Cytogenetic location: 10q21.2.
Variant type: single nucleotide variant.
Coding change: c.6524G>A on transcript NM_020987.5 (MANE Select); coding-DNA position 6524, G replaced by A.
Protein change: p.Ser2175Asn; replaces serine 2175 with asparagine.
Molecular consequence: missense variant. On other transcripts: intron variant (4).
Genome position (GRCh38, 1-based): chr10:60,074,357, C>T on the plus strand (G>A on the coding strand, the complement: ANK3 is on the minus strand). VCF-style: chr10-60074357-C-T. GRCh37 (hg19) VCF-style: chr10-61834115-C-T.
Other names: c.4387+6180G>A (NM_001204403.2); c.4408+6180G>A (NM_001204404.2); c.4405+6180G>A (NM_001320874.2); c.1807+6180G>A (NM_001149.4); c.6524G>A (NM_020987.3); short protein forms S2175N.
Identifiers: ClinVar variation 2106764 (VCV002106764.4), dbSNP rs2083358664, ClinGen allele CA377013153.

ClinVar aggregate classification (germline): Uncertain significance. Review status: criteria provided, multiple submitters, no conflicts (2 of 4 stars). 2 submissions from 2 submitters: Uncertain significance (2). Last evaluated 2024-08-14.

Allele frequency attached by ClinVar (database versions not stated): TOPMed 0.00001.

Submissions (2):

GeneDx
Classification: Uncertain significance. Last evaluated: 2024-08-14. Review status: criteria provided, single submitter. Criteria: GeneDx Variant Classification Process June 2021. Collection method: clinical testing. Allele origin: germline. Affected: yes.
Comment: Not observed at significant frequency in large population cohorts (gnomAD); In silico analysis indicates that this missense variant does not alter protein structure/function; Has not been previously published as pathogenic or benign to our knowledge

Labcorp Genetics (formerly Invitae), Labcorp
Classification: Uncertain significance. Last evaluated: 2022-10-05. Review status: criteria provided, single submitter. Criteria: Invitae Variant Classification Sherloc (09022015). Collection method: clinical testing. Allele origin: germline.
Comment: In summary, the available evidence is currently insufficient to determine the role of this variant in disease. Therefore, it has been classified as a Variant of Uncertain Significance. Advanced modeling of protein sequence and biophysical properties (such as structural, functional, and spatial information, amino acid conservation, physicochemical variation, residue mobility, and thermodynamic stability) performed at Invitae indicates that this missense variant is expected to disrupt ANK3 protein function. This variant has not been reported in the literature in individuals affected with ANK3-related conditions. This variant is not present in population databases (gnomAD no frequency). This sequence change replaces serine, which is neutral and polar, with asparagine, which is neutral and polar, at codon 2175 of the ANK3 protein (p.Ser2175Asn).